The following is an entry in ClinVar:

ClinVar aggregate classification (germline): Uncertain significance. Review status: criteria provided, multiple submitters, no conflicts (2 of 4 stars). 2 submissions from 2 submitters: Uncertain significance (2). Last evaluated 2026-04-30.

Conditions:
VPS13B-related disorder. Also called: VPS13B-related condition.
Cohen syndrome (COH1). Also called: PEPPER SYNDROME; Cutis verticis gyrata, retinitis pigmentosa, and sensorineural deafness. Identifiers: Orphanet 193, MedGen C0265223, MONDO:0008999, OMIM 216550.

Allele frequency attached by ClinVar (database versions not stated): gnomAD exomes 0.00001; ExAC 0.00002; TOPMed 0.00002; gnomAD 0.00003; ESP Exome Variant Server 0.00008; 1000 Genomes Project 30x 0.00016; 1000 Genomes Project 0.00020.
gnomAD v4.1: 15 of 1,614,164 alleles (0.00093%); highest among the groups gnomAD compares: African/African-American, 0.0027%; no homozygotes.

Submissions (2):

PreventionGenetics, part of Exact Sciences
Classification: Uncertain significance for VPS13B-related condition. Last evaluated: 2026-04-30. Review status: criteria provided, single submitter. Criteria: ACMG Guidelines, 2015. Collection method: clinical testing. Allele origin: germline.
Comment: The VPS13B c.2999T>C variant is predicted to result in the amino acid substitution p.Ile1000Thr. To our knowledge, this variant has not been reported in the literature. This variant is reported in 0.0080% of alleles in individuals of African descent in gnomAD. At this time, the clinical significance of this variant is uncertain due to the absence of conclusive functional and genetic evidence.

Labcorp Genetics (formerly Invitae), Labcorp
Classification: Uncertain significance for Cohen syndrome. Last evaluated: 2022-09-23. Review status: criteria provided, single submitter. Criteria: Invitae Variant Classification Sherloc (09022015). Collection method: clinical testing. Allele origin: germline.
Comment: This sequence change replaces isoleucine, which is neutral and non-polar, with threonine, which is neutral and polar, at codon 1000 of the VPS13B protein (p.Ile1000Thr). This variant is present in population databases (rs149970869, gnomAD 0.008%). This variant has not been reported in the literature in individuals affected with VPS13B-related conditions. Advanced modeling of protein sequence and biophysical properties (such as structural, functional, and spatial information, amino acid conservation, physicochemical variation, residue mobility, and thermodynamic stability) performed at Invitae indicates that this missense variant is not expected to disrupt VPS13B protein function. In summary, the available evidence is currently insufficient to determine the role of this variant in disease. Therefore, it has been classified as a Variant of Uncertain Significance.

NM_152564.5(VPS13B):c.2999T>C (p.Ile1000Thr)

Gene: VPS13B (vacuolar protein sorting 13 homolog B; plus strand). Cytogenetic location: 8q22.2.
Variant type: single nucleotide variant.
Coding change: c.2999T>C on transcript NM_152564.5 (MANE Select); coding-DNA position 2999, T replaced by C.
Protein change: p.Ile1000Thr; replaces isoleucine 1000 with threonine.
Molecular consequence: missense variant.
Genome position (GRCh38, 1-based): chr8:99,391,621, T>C. VCF-style: chr8-99391621-T-C. GRCh37 (hg19) VCF-style: chr8-100403849-T-C.
Other names: c.2999T>C, p.Ile1000Thr (NM_017890.5); short protein forms I1000T.
Identifiers: ClinVar variation 2189412 (VCV002189412.2), dbSNP rs149970869, ClinGen allele CA4823130.
Genomic context (GRCh38, chr8:99,391,621, plus strand): 5'-CTGTGGTAGCTGTTCCTCTTGTTATGCCAGTTTGTAGAAGGAAAGAGGATGAGGTGTCTA[T>C]TGGAAGTGCCCCCTTGGCAAAGCAGCAATCATATCAGGCCTCTGAATATGCCAGCAGCCC-3'
Protein context (NP_689777.3, residues 990-1010): VCRRKEDEVS[Ile1000Thr]GSAPLAKQQS